The following is an entry in ClinVar:

NM_024426.6(WT1):c.1433A>T (p.His478Leu)

Gene: WT1 (WT1 transcription factor; minus strand). Cytogenetic location: 11p13.
Variant type: single nucleotide variant.
Coding change: c.1433A>T on transcript NM_024426.6 (MANE Select); coding-DNA position 1433, A replaced by T.
Protein change: p.His478Leu; replaces histidine 478 with leucine.
Molecular consequence: missense variant. On other transcripts: non-coding transcript variant (2), intron variant (2).
Genome position (GRCh38, 1-based): chr11:32,391,986, T>A on the plus strand (A>T on the coding strand, the complement: WT1 is on the minus strand). VCF-style: chr11-32391986-T-A. GRCh37 (hg19) VCF-style: chr11-32413532-T-A.
Other names: c.1382A>T, p.His461Leu (NM_000378.6, NM_001407045.1); c.782A>T, p.His261Leu (NM_001198551.2); c.731A>T, p.His244Leu (NM_001198552.2); c.245A>T, p.His82Leu (NM_001367854.1); c.1427A>T, p.His476Leu (NM_001407044.1); c.1310A>T, p.His437Leu (NM_001407047.1); c.1292A>T, p.His431Leu (NM_001407048.1); c.1259A>T, p.His420Leu (NM_001407050.1); and 5 more; short protein forms H261L, H420L, H473L, H478L, H224L, H437L, H82L, H456L.
Identifiers: ClinVar variation 2922110 (VCV002922110.3), dbSNP rs2494729411, ClinGen allele CA379958711.

ClinVar aggregate classification (germline): Uncertain significance (1 of 4 stars; one submission).

Conditions:
Wilms tumor 1 (WT1). Also called: Wilms tumor, somatic. Identifiers: Orphanet 654, MedGen CN033288, MONDO:0008679, OMIM 194070.
11p partial monosomy syndrome (WAGR). Also called: CHROMOSOME 11p13 DELETION SYNDROME; WAGR Complex; WAGR Spectrum Disorder; WAGR syndrome. Identifiers: Orphanet 893, MedGen C0206115, MONDO:0008681, OMIM 194072.
Drash syndrome (DDS). Also called: NEPHROPATHY, WILMS TUMOR, AND GENITAL ANOMALIES; WILMS TUMOR AND PSEUDO- OR TRUE HERMAPHRODITISM. Identifiers: Orphanet 220, MedGen C0950121, MONDO:0008682, OMIM 194080.
Frasier syndrome. Identifiers: Orphanet 347, MedGen C0950122, MeSH D052159, MONDO:0007635, OMIM 136680.

Submission:

Labcorp Genetics (formerly Invitae), Labcorp
Classification: Uncertain significance for Wilms tumor 1; Drash syndrome; 11p partial monosomy syndrome; Frasier syndrome. Last evaluated: 2024-01-11. Review status: criteria provided, single submitter. Criteria: Invitae Variant Classification Sherloc (09022015). Collection method: clinical testing. Allele origin: germline.
Comment: This sequence change replaces histidine, which is basic and polar, with leucine, which is neutral and non-polar, at codon 473 of the WT1 protein (p.His473Leu). This variant is not present in population databases (gnomAD no frequency). This variant has not been reported in the literature in individuals affected with WT1-related conditions. An algorithm developed to predict the effect of missense changes on protein structure and function (PolyPhen-2) suggests that this variant is likely to be disruptive. This variant disrupts the p.His473 amino acid residue in WT1. Other variant(s) that disrupt this residue have been observed in individuals with WT1-related conditions (PMID: 15349765, 23302619, 34392242), which suggests that this may be a clinically significant amino acid residue. In summary, the available evidence is currently insufficient to determine the role of this variant in disease. Therefore, it has been classified as a Variant of Uncertain Significance.

Literature cited by the submitters: PubMed 15349765; PubMed 23302619; PubMed 34392242.